The following is an entry in ClinVar:

NM_003500.4(ACOX2):c.1983+1G>A

Gene: ACOX2 (acyl-CoA oxidase 2; minus strand). Cytogenetic location: 3p14.3.
Variant type: single nucleotide variant.
Coding change: c.1983+1G>A on transcript NM_003500.4 (MANE Select); the canonical splice donor site of the intron after coding-DNA position 1983, G replaced by A.
Molecular consequence: splice donor variant.
Genome position (GRCh38, 1-based): chr3:58,508,892, C>T on the plus strand (G>A on the coding strand, the complement: ACOX2 is on the minus strand). VCF-style: chr3-58508892-C-T. GRCh37 (hg19) VCF-style: chr3-58494619-C-T.
Identifiers: ClinVar variation 4799508 (VCV004799508.1).

ClinVar aggregate classification (germline): Uncertain significance (1 of 4 stars; one submission).

Submission:

Labcorp Genetics (formerly Invitae), Labcorp
Classification: Uncertain significance. Last evaluated: 2025-08-04. Review status: criteria provided, single submitter. Criteria: Invitae Variant Classification Sherloc (09022015). Collection method: clinical testing. Allele origin: germline.
Comment: This sequence change falls in intron 14 of the ACOX2 gene. It does not directly change the encoded amino acid sequence of the ACOX2 protein. It affects a nucleotide within the consensus splice site. This variant is not present in population databases (gnomAD no frequency). This variant has not been reported in the literature in individuals affected with ACOX2-related conditions. Variants that disrupt the consensus splice site are a relatively common cause of aberrant splicing (PMID: 17576681, 9536098). Algorithms developed to predict the effect of sequence changes on RNA splicing suggest that this variant may disrupt the consensus splice site. In summary, the available evidence is currently insufficient to determine the role of this variant in disease. Therefore, it has been classified as a Variant of Uncertain Significance.

Literature cited by the submitters: PubMed 17576681; PubMed 9536098.